The following is an entry in ClinVar:

NM_001127222.2(CACNA1A):c.773A>C (p.Glu258Ala)

Gene: CACNA1A (calcium voltage-gated channel subunit alpha1 A; minus strand). Cytogenetic location: 19p13.13.
Variant type: single nucleotide variant.
Coding change: c.773A>C on transcript NM_001127222.2 (MANE Select); coding-DNA position 773, A replaced by C.
Protein change: p.Glu258Ala; replaces glutamic acid 258 with alanine.
Molecular consequence: missense variant.
Genome position (GRCh38, 1-based): chr19:13,365,328, T>G on the plus strand (A>C on the coding strand, the complement: CACNA1A is on the minus strand). VCF-style: chr19-13365328-T-G. GRCh37 (hg19) VCF-style: chr19-13476142-T-G.
Other names: c.773A>C, p.Glu258Ala (NM_000068.4, NM_001127221.2, NM_001174080.2 and 1 more transcripts); short protein forms E258A.
Identifiers: ClinVar variation 967843 (VCV000967843.10), dbSNP rs2059189452, ClinGen allele CA404348253.

ClinVar aggregate classification (germline): Uncertain significance (1 of 4 stars; one submission).

Conditions:
Developmental and epileptic encephalopathy, 42 (DEE42A). Also called: Epileptic encephalopathy, early infantile, 42; DEVELOPMENTAL AND EPILEPTIC ENCEPHALOPATHY 42A; EPILEPTIC ENCEPHALOPATHY, EARLY INFANTILE, 42A. Identifiers: MedGen C4310716, MONDO:0014917, OMIM 617106.
Episodic ataxia type 2 (EA2). Also called: CEREBELLAR ATAXIA, PAROXYSMAL, ACETAZOLAMIDE-RESPONSIVE; CEREBELLOPATHY, HEREDITARY PAROXYSMAL; EPISODIC ATAXIA, NYSTAGMUS-ASSOCIATED; ACETAZOLAMIDE-RESPONSIVE HEREDITARY PAROXYSMAL CEREBELLAR ATAXIA; ATAXIA, EPISODIC, WITH NYSTAGMUS; ATAXIA, FAMILIAL PAROXYSMAL. Identifiers: Orphanet 97, MedGen C1720416, MONDO:0007163, OMIM 108500.

Submission:

Labcorp Genetics (formerly Invitae), Labcorp
Classification: Uncertain significance for Developmental and epileptic encephalopathy, 42; Episodic ataxia type 2. Last evaluated: 2019-09-30. Review status: criteria provided, single submitter. Criteria: Invitae Variant Classification Sherloc (09022015). Collection method: clinical testing. Allele origin: germline.
Comment: This sequence change replaces glutamic acid with alanine at codon 258 of the CACNA1A protein (p.Glu258Ala). The glutamic acid residue is moderately conserved and there is a moderate physicochemical difference between glutamic acid and alanine. In summary, the available evidence is currently insufficient to determine the role of this variant in disease. Therefore, it has been classified as a Variant of Uncertain Significance. Algorithms developed to predict the effect of sequence changes on RNA splicing suggest that this variant may create or strengthen a splice site, but this prediction has not been confirmed by published transcriptional studies. Algorithms developed to predict the effect of missense changes on protein structure and function (SIFT, PolyPhen-2, Align-GVGD) all suggest that this variant is likely to be tolerated, but these predictions have not been confirmed by published functional studies and their clinical significance is uncertain. This variant has not been reported in the literature in individuals with CACNA1A-related conditions. This variant is not present in population databases (ExAC no frequency).